The following is an entry in ClinVar:

NM_032119.4(ADGRV1):c.13919G>A (p.Gly4640Glu)

Gene: ADGRV1 (adhesion G protein-coupled receptor V1; plus strand). Cytogenetic location: 5q14.3.
Variant type: single nucleotide variant.
Coding change: c.13919G>A on transcript NM_032119.4 (MANE Select); coding-DNA position 13919, G replaced by A.
Protein change: p.Gly4640Glu; replaces glycine 4640 with glutamic acid.
Molecular consequence: missense variant. On other transcripts: non-coding transcript variant (1).
Genome position (GRCh38, 1-based): chr5:90,789,727, G>A. VCF-style: chr5-90789727-G-A. GRCh37 (hg19) VCF-style: chr5-90085544-G-A.
Other names: short protein forms G4640E.
Identifiers: ClinVar variation 179204 (VCV000179204.44), dbSNP rs727504706, ClinGen allele CA183950.

ClinVar aggregate classification (germline): Uncertain significance. Review status: criteria provided, multiple submitters, no conflicts (2 of 4 stars). 8 submissions from 8 submitters: Uncertain significance (7). 1 of the submissions does not count toward it. Last evaluated 2025-02-28.

Conditions:
Idiopathic generalized epilepsy. Also called: EIG; Generalised epilepsy. Identifiers: MedGen C0270850, MONDO:0005579, OMIM 600669.
Febrile seizures, familial, 4 (FEB4). Also called: CONVULSIONS, FAMILIAL FEBRILE, 4. Identifiers: MedGen C1858493, MONDO:0011443, OMIM 604352.

Allele frequency attached by ClinVar (database versions not stated): gnomAD 0.00001 and 0.00003; TOPMed 0.00001; gnomAD exomes 0.00002.
gnomAD v4.1: 38 of 1,557,594 alleles (0.0024%); highest among the groups gnomAD compares: Middle Eastern, 0.27%; no homozygotes.

Submissions (8):

Women's Health and Genetics/Laboratory Corporation of America, LabCorp
Classification: Uncertain significance. Last evaluated: 2025-02-28. Review status: criteria provided, single submitter. Criteria: LabCorp Variant Classification Summary - May 2015. Collection method: clinical testing. Allele origin: germline.
Comment: Variant summary: ADGRV1 c.13919G>A (p.Gly4640Glu) results in a non-conservative amino acid change in the encoded protein sequence. Four of five in-silico tools predict a damaging effect of the variant on protein function. The variant allele was found at a frequency of 2.2e-05 in 180578 control chromosomes (gnomAD). The available data on variant occurrences in the general population are insufficient to allow any conclusion about variant significance. c.13919G>A has been reported in the literature in individuals affected with ADGRV1-Related Disorders and many of these individuals also carry variants from other genes (Quesne Stabej_2012, Dahawi_2021, Ganapathi_2022). These report(s) do not provide unequivocal conclusions about association of the variant with ADGRV1-Related Disorders. To our knowledge, no experimental evidence demonstrating an impact on protein function has been reported. The following publications have been ascertained in the context of this evaluation (PMID: 22135276, 34744978, 35672425). ClinVar contains an entry for this variant (Variation ID: 179204). Based on the evidence outlined above, the variant was classified as uncertain significance.

Blueprint Genetics
Classification: Uncertain significance. Last evaluated: 2024-09-25. Review status: criteria provided, single submitter. Criteria: ACMG Guidelines, 2015. Collection method: clinical testing. Allele origin: germline.

Genomic Medicine Center of Excellence, King Faisal Specialist Hospital and Research Centre
Classification: Uncertain significance for Febrile seizures, familial, 4. Last evaluated: 2024-03-26. Review status: criteria provided, single submitter. Criteria: ACMG Guidelines, 2015. Collection method: clinical testing. Allele origin: germline.

Labcorp Genetics (formerly Invitae), Labcorp
Classification: Uncertain significance. Last evaluated: 2022-06-14. Review status: criteria provided, single submitter. Criteria: Invitae Variant Classification Sherloc (09022015). Collection method: clinical testing. Allele origin: germline.
Comment: This sequence change replaces glycine, which is neutral and non-polar, with glutamic acid, which is acidic and polar, at codon 4640 of the ADGRV1 protein (p.Gly4640Glu). This variant is present in population databases (rs727504706, gnomAD 0.004%). This variant has not been reported in the literature in individuals affected with ADGRV1-related conditions. ClinVar contains an entry for this variant (Variation ID: 179204). Algorithms developed to predict the effect of missense changes on protein structure and function are either unavailable or do not agree on the potential impact of this missense change (SIFT: "Deleterious"; PolyPhen-2: "Probably Damaging"; Align-GVGD: "Class C0"). In summary, the available evidence is currently insufficient to determine the role of this variant in disease. Therefore, it has been classified as a Variant of Uncertain Significance.

Clinical Genetics Laboratory, Skane University Hospital Lund
Classification: Uncertain significance. Last evaluated: 2022-05-27. Review status: criteria provided, single submitter. Criteria: ACMG Guidelines, 2015. Collection method: clinical testing. Allele origin: germline. Affected: yes.

Laboratory for Molecular Medicine, Mass General Brigham Personalized Medicine
Classification: Uncertain significance. Last evaluated: 2016-11-30. Review status: criteria provided, single submitter. Criteria: LMM Criteria. Collection method: clinical testing. Allele origin: germline. Observed: 4 variant alleles.
Comment: Variant classified as Uncertain Significance - Favor Benign. The p.Gly4640Glu va riant in GPR8 has been previously reported in one individual with Usher syndrome (Le Quesne Stabej 2012) and was identified by our laboratory in three individua ls with hearing loss; however, this variant was not thought to be related to the clinical features in these individuals due to the presence of an alternate expl anation of the hearing loss and/or non-segregation with disease in affected fami ly members. Data from large population studies are insufficient to assess the fr equency of this variant. Computational prediction tools and conservation analysi s suggest that the p.Gly4640Glu variant may impact the protein, though this info rmation is not predictive enough to determine pathogenicity. In summary, the cli nical significance of the p.Gly4640Glu variant is uncertain; however, based on t he identification of this variant in several individuals with an alternate expla nation for their hearing loss suggests that it is more likely to be benign.

Eurofins Ntd Llc (ga)
Classification: Uncertain significance. Last evaluated: 2015-10-16. Review status: criteria provided, single submitter. Criteria: EGL Classification Definitions 2015. Collection method: clinical testing. Allele origin: germline. Observed: 1 variant allele, 1 heterozygote.

Paris Brain Institute, Inserm - ICM
Classification: Likely pathogenic for Idiopathic generalized epilepsy. Review status: no assertion criteria provided. Collection method: research. Allele origin: germline. Inheritance: Oligogenic inheritance. Affected: yes. Not counted in ClinVar's aggregate classification.

Literature cited by the submitters: PubMed 22135276 (cited by Women's Health and Genetics/Laboratory Corporation of America, LabCorp and Laboratory for Molecular Medicine, Mass General Brigham Personalized Medicine); PubMed 35672425 (cited by Women's Health and Genetics/Laboratory Corporation of America, LabCorp); PubMed 34744978 (cited by Women's Health and Genetics/Laboratory Corporation of America, LabCorp).